The following is an entry in ClinVar:

ClinVar aggregate classification (germline): Uncertain significance. Review status: criteria provided, multiple submitters, no conflicts (2 of 4 stars). 2 submissions from 2 submitters: Uncertain significance (2). Last evaluated 2025-08-10.

Conditions:
Inborn genetic diseases. Identifiers: MedGen C0950123, MeSH D030342.

Allele frequency attached by ClinVar (database versions not stated): gnomAD 0.00001.
gnomAD v4.1: 6 of 1,613,926 alleles (0.00037%); highest among the groups gnomAD compares: Middle Eastern, 0.033%; no homozygotes.

Submissions (2):

Ambry Genetics
Classification: Uncertain significance for Inborn genetic diseases. Last evaluated: 2025-08-10. Review status: criteria provided, single submitter. Criteria: Ambry Variant Classification Scheme 2023. Collection method: clinical testing. Allele origin: germline.

Labcorp Genetics (formerly Invitae), Labcorp
Classification: Uncertain significance. Last evaluated: 2024-02-02. Review status: criteria provided, single submitter. Criteria: Invitae Variant Classification Sherloc (09022015). Collection method: clinical testing. Allele origin: germline.
Comment: This sequence change replaces valine, which is neutral and non-polar, with leucine, which is neutral and non-polar, at codon 211 of the TNFRSF11B protein (p.Val211Leu). This variant is present in population databases (no rsID available, gnomAD 0.002%). This variant has not been reported in the literature in individuals affected with TNFRSF11B-related conditions. ClinVar contains an entry for this variant (Variation ID: 1958465). Advanced modeling of protein sequence and biophysical properties (such as structural, functional, and spatial information, amino acid conservation, physicochemical variation, residue mobility, and thermodynamic stability) performed at Invitae indicates that this missense variant is not expected to disrupt TNFRSF11B protein function with a negative predictive value of 80%. In summary, the available evidence is currently insufficient to determine the role of this variant in disease. Therefore, it has been classified as a Variant of Uncertain Significance.

NM_002546.4(TNFRSF11B):c.631G>C (p.Val211Leu)

Gene: TNFRSF11B (TNF receptor superfamily member 11b; minus strand). Cytogenetic location: 8q24.12.
Variant type: single nucleotide variant.
Coding change: c.631G>C on transcript NM_002546.4 (MANE Select); coding-DNA position 631, G replaced by C.
Protein change: p.Val211Leu; replaces valine 211 with leucine.
Molecular consequence: missense variant.
Genome position (GRCh38, 1-based): chr8:118,926,680, C>G on the plus strand (G>C on the coding strand, the complement: TNFRSF11B is on the minus strand). VCF-style: chr8-118926680-C-G. GRCh37 (hg19) VCF-style: chr8-119938919-C-G.
Other names: c.631G>C (NM_002546.3); short protein forms V211L.
Identifiers: ClinVar variation 1958465 (VCV001958465.6), dbSNP rs977797503, ClinGen allele CA184863534.